The following is an entry in ClinVar:

NM_021076.4(NEFH):c.498G>C (p.Gln166His)

Gene: NEFH (neurofilament heavy chain; plus strand). Cytogenetic location: 22q12.2.
Variant type: single nucleotide variant.
Coding change: c.498G>C on transcript NM_021076.4 (MANE Select); coding-DNA position 498, G replaced by C.
Protein change: p.Gln166His; replaces glutamine 166 with histidine.
Molecular consequence: missense variant.
Genome position (GRCh38, 1-based): chr22:29,480,760, G>C. VCF-style: chr22-29480760-G-C. GRCh37 (hg19) VCF-style: chr22-29876749-G-C.
Other names: short protein forms Q166H.
Identifiers: ClinVar variation 3383640 (VCV003383640.1).

ClinVar aggregate classification (germline): Uncertain significance (1 of 4 stars; one submission).

Submission:

GeneDx
Classification: Uncertain significance. Last evaluated: 2024-05-24. Review status: criteria provided, single submitter. Criteria: GeneDx Variant Classification Process June 2021. Collection method: clinical testing. Allele origin: germline. Affected: yes.
Comment: Not observed at significant frequency in large population cohorts (gnomAD); In silico analysis supports that this missense variant has a deleterious effect on protein structure/function; Has not been previously published as pathogenic or benign to our knowledge